The following is an entry in ClinVar:

ClinVar aggregate classification (germline): Pathogenic (1 of 4 stars; one submission).

Submission:

Labcorp Genetics (formerly Invitae), Labcorp
Classification: Pathogenic. Last evaluated: 2023-08-02. Review status: criteria provided, single submitter. Criteria: Invitae Variant Classification Sherloc (09022015). Collection method: clinical testing. Allele origin: germline.
Comment: This sequence change creates a premature translational stop signal (p.Gln402*) in the MYSM1 gene. It is expected to result in an absent or disrupted protein product. Loss-of-function variants in MYSM1 are known to be pathogenic (PMID: 24288411, 28115216). This variant is not present in population databases (gnomAD no frequency). This variant has not been reported in the literature in individuals affected with MYSM1-related conditions. For these reasons, this variant has been classified as Pathogenic.

Literature cited by the submitters: PubMed 24288411; PubMed 28115216.

NM_001085487.3(MYSM1):c.1204C>T (p.Gln402Ter)

Gene: MYSM1 (Myb like, SWIRM and MPN domains 1; minus strand). Cytogenetic location: 1p32.1.
Variant type: single nucleotide variant.
Coding change: c.1204C>T on transcript NM_001085487.3 (MANE Select); coding-DNA position 1204, C replaced by T.
Protein change: p.Gln402Ter; replaces glutamine 402 with a stop codon.
Molecular consequence: nonsense.
Genome position (GRCh38, 1-based): chr1:58,681,840, G>A on the plus strand (C>T on the coding strand, the complement: MYSM1 is on the minus strand). VCF-style: chr1-58681840-G-A. GRCh37 (hg19) VCF-style: chr1-59147512-G-A.
Other names: short protein forms Q402*.
Identifiers: ClinVar variation 2777330 (VCV002777330.3), dbSNP rs2524279750, ClinGen allele CA340524545.